The following is an entry in ClinVar:

NM_000603.5(NOS3):c.2502G>A (p.Lys834=)

Gene: NOS3 (nitric oxide synthase 3; plus strand). Cytogenetic location: 7q36.1.
Variant type: single nucleotide variant.
Coding change: c.2502G>A on transcript NM_000603.5 (MANE Select); coding-DNA position 2502, G replaced by A.
Protein change: p.Lys834=; no amino-acid change (lysine 834 retained).
Molecular consequence: synonymous variant.
Genome position (GRCh38, 1-based): chr7:151,009,575, G>A. VCF-style: chr7-151009575-G-A. GRCh37 (hg19) VCF-style: chr7-150706663-G-A.
Identifiers: ClinVar variation 3353218 (VCV003353218.7).

ClinVar aggregate classification (germline): Likely benign. Review status: criteria provided, single submitter (1 of 4 stars). 2 submissions from 2 submitters: Likely benign (1). 1 of the submissions does not count toward it. Last evaluated 2025-10-01.

Conditions:
NOS3-related disorder. Also called: NOS3-related condition.

Submissions (2):

CeGaT Center for Human Genetics Tuebingen
Classification: Likely benign. Last evaluated: 2025-10-01. Review status: criteria provided, single submitter. Criteria: CeGaT Center For Human Genetics Tuebingen Variant Classification Criteria Version 2. Collection method: clinical testing. Allele origin: germline. Affected: yes. Observed: 1 variant allele.
Comment: NOS3: BP4, BP7

PreventionGenetics, part of Exact Sciences
Classification: Likely benign for NOS3-related condition. Last evaluated: 2024-05-14. Review status: no assertion criteria provided. Collection method: clinical testing. Allele origin: germline. Not counted in ClinVar's aggregate classification.
Comment: This variant is classified as likely benign based on ACMG/AMP sequence variant interpretation guidelines (Richards et al. 2015 PMID: 25741868, with internal and published modifications).